The following is an entry in ClinVar:

ClinVar aggregate classification (germline): Uncertain significance (1 of 4 stars; one submission).

Conditions:
Epidermolysis bullosa simplex with nail dystrophy (EBS5D). Identifiers: MedGen C4225309, MONDO:0014661, OMIM 616487.
Epidermolysis bullosa simplex 5B, with muscular dystrophy (EBS5B). Also called: EPIDERMOLYSIS BULLOSA SIMPLEX AND LIMB-GIRDLE MUSCULAR DYSTROPHY; Epidermolysis bullosa simplex with muscular dystrophy. Identifiers: Orphanet 257, MedGen C2931072, MONDO:0009181, OMIM 226670.
Epidermolysis bullosa simplex 5C, with pyloric atresia (EBS5C). Also called: PLEC-Related Epidermolysis Bullosa with Pyloric Atresia; Epidermolysis bullosa simplex with pyloric atresia; PLEC1-Related Epidermolysis Bullosa with Pyloric Atresia. Identifiers: Orphanet 158684, MedGen C2677349, MONDO:0012807, OMIM 612138.
Autosomal recessive limb-girdle muscular dystrophy type 2Q (LGMDR17). Also called: MUSCULAR DYSTROPHY, LIMB-GIRDLE, AUTOSOMAL RECESSIVE 17. Identifiers: Orphanet 254361, MedGen C3150989, MONDO:0013390, OMIM 613723.
Epidermolysis bullosa simplex, Ogna type (EBS5A). Also called: Pidermolysis bullosa simplex 5A, Ogna type; EPIDERMOLYSIS BULLOSA SIMPLEX 5A, OGNA TYPE. Identifiers: Orphanet 79401, MedGen C0432317, MONDO:0007555, OMIM 131950.

Allele frequency attached by ClinVar (database versions not stated): TOPMed 0.00001.

Submission:

Labcorp Genetics (formerly Invitae), Labcorp
Classification: Uncertain significance for Autosomal recessive limb-girdle muscular dystrophy type 2Q; Epidermolysis bullosa simplex, Ogna type; Epidermolysis bullosa simplex with nail dystrophy; Epidermolysis bullosa simplex 5C, with pyloric atresia; Epidermolysis bullosa simplex 5B, with muscular dystrophy. Last evaluated: 2023-10-18. Review status: criteria provided, single submitter. Criteria: Invitae Variant Classification Sherloc (09022015). Collection method: clinical testing. Allele origin: germline.
Comment: This variant, c.5068_5070del, results in the deletion of 1 amino acid(s) of the PLEC protein (p.Glu1690del), but otherwise preserves the integrity of the reading frame. This variant is not present in population databases (gnomAD no frequency). This variant has not been reported in the literature in individuals affected with PLEC-related conditions. Experimental studies and prediction algorithms are not available or were not evaluated, and the functional significance of this variant is currently unknown. In summary, the available evidence is currently insufficient to determine the role of this variant in disease. Therefore, it has been classified as a Variant of Uncertain Significance.

NM_201384.3(PLEC):c.4987_4989del (p.Glu1663del)

Gene: PLEC (plectin; minus strand). Cytogenetic location: 8q24.3.
Variant type: Deletion.
Coding change: c.4987_4989del on transcript NM_201384.3 (MANE Select); coding-DNA positions 4987 to 4989, 3 bases deleted (GAG; older notation c.4987_4989delGAG).
Protein change: p.Glu1663del; deletes glutamic acid 1663.
Molecular consequence: inframe deletion. On other transcripts: intron variant (1).
Genome position (GRCh38, 1-based): chr8:143,924,940-143,924,942, CTC deleted on the plus strand (GAG on the coding strand, the reverse complement: PLEC is on the minus strand). VCF-style (leftmost placement, unchanged base first): chr8-143924939-TCTC-T. GRCh37 (hg19) VCF-style: chr8-144999107-TCTC-T.
Other names: c.5068_5070del, p.Glu1690del (NM_000445.5); c.4945_4947del, p.Glu1649del (NM_201378.4); c.4921_4923del, p.Glu1641del (NM_201379.3); c.5398_5400del, p.Glu1800del (NM_201380.4); c.4891_4893del, p.Glu1631del (NM_201381.3); c.4987_4989del, p.Glu1663del (NM_201382.4); c.4999_5001del, p.Glu1667del (NM_201383.3); c.4125+1842_4125+1844del (NM_001410941.1); short protein forms E1641del, E1690del, E1800del, E1663del, E1667del, E1631del, E1649del.
Identifiers: ClinVar variation 2929208 (VCV002929208.3), dbSNP rs1824427429, ClinGen allele CA1826044898.